The following is an entry in ClinVar:

NM_005592.4(MUSK):c.2034_2035del (p.His680fs)

Gene: MUSK (muscle associated receptor tyrosine kinase; plus strand). Cytogenetic location: 9q31.3.
Variant type: Deletion.
Coding change: c.2034_2035del on transcript NM_005592.4 (MANE Select); coding-DNA positions 2034 to 2035, 2 bases deleted (CA; older notation c.2034_2035delCA).
Protein change: p.His680fs; shifts the reading frame from histidine 680.
Molecular consequence: frameshift variant.
Genome position (GRCh38, 1-based): chr9:110,800,412-110,800,413, CA deleted. VCF-style (leftmost placement, unchanged base first): chr9-110800411-TCA-T. GRCh37 (hg19) VCF-style: chr9-113562691-TCA-T.
Other names: c.1776_1777del, p.His594fs (NM_001166280.2); c.1746_1747del, p.His584fs (NM_001166281.2); c.774_775del, p.His260fs (NM_001369398.1); short protein forms H260fs, H584fs, H594fs, H680fs.
Identifiers: ClinVar variation 2934375 (VCV002934375.4), dbSNP rs2491209728, ClinGen allele CA2691186940.

ClinVar aggregate classification (germline): Pathogenic/Likely pathogenic. Review status: criteria provided, multiple submitters, no conflicts (2 of 4 stars). 2 submissions from 2 submitters: Pathogenic (1); Likely pathogenic (1). Last evaluated 2026-02-23.

Conditions:
Fetal anomalies with a likely genetic cause.
Congenital myasthenic syndrome 9. Also called: Myasthenic syndrome, congenital, 9, associated with acetylcholine receptor deficiency. Identifiers: Orphanet 590, MedGen C4225368, MONDO:0014587, OMIM 616325.
Fetal akinesia deformation sequence 1 (FADS1). Also called: Pena-Shokeir syndrome type I; Fetal akinesia sequence. Identifiers: Orphanet 994, MedGen C1276035, MONDO:0100101, OMIM 208150, HP:0001989.

Allele frequency attached by ClinVar (database versions not stated): gnomAD exomes below 0.00001.

Submissions (2):

Genetics Laboratory, Great Ormond Street Hospital NHS Foundation Trust, North Thames Genomic Laboratory Hub
Classification: Likely pathogenic for Fetal anomalies with a likely genetic cause. Last evaluated: 2026-02-23. Review status: criteria provided, single submitter. Criteria: ACGS Best Practice Guidelines for Variant Classification in Rare Disease 2024 v1.2. Collection method: clinical testing. Allele origin: germline. Affected: yes.
Comment: PM2_moderate, PVS1_strong, PM3_supporting

Labcorp Genetics (formerly Invitae), Labcorp
Classification: Pathogenic for Congenital myasthenic syndrome 9; Fetal akinesia deformation sequence 1. Last evaluated: 2023-12-14. Review status: criteria provided, single submitter. Criteria: Invitae Variant Classification Sherloc (09022015). Collection method: clinical testing. Allele origin: germline.
Comment: This sequence change creates a premature translational stop signal (p.His680Glnfs*2) in the MUSK gene. While this is not anticipated to result in nonsense mediated decay, it is expected to disrupt the last 190 amino acid(s) of the MUSK protein. This variant is not present in population databases (gnomAD no frequency). This variant has not been reported in the literature in individuals affected with MUSK-related conditions. This variant disrupts a region of the MUSK protein in which other variant(s) (p.Leu821Phe) have been determined to be pathogenic (Invitae). This suggests that this is a clinically significant region of the protein, and that variants that disrupt it are likely to be disease-causing. For these reasons, this variant has been classified as Pathogenic.